The following is an entry in ClinVar:

ClinVar aggregate classification (germline): Likely benign. Review status: criteria provided, single submitter (1 of 4 stars). 2 submissions from 2 submitters: Likely benign (1). 1 of the submissions does not count toward it. Last evaluated 2024-04-15.

Conditions:
CTR9-related disorder. Also called: CTR9-related condition.

Allele frequency attached by ClinVar (database versions not stated): gnomAD 0.00001; gnomAD exomes 0.00002; TOPMed 0.00002; ExAC 0.00004; ESP Exome Variant Server 0.00008.

Submissions (2):

Labcorp Genetics (formerly Invitae), Labcorp
Classification: Likely benign. Last evaluated: 2024-04-15. Review status: criteria provided, single submitter. Criteria: Invitae Variant Classification Sherloc (09022015). Collection method: clinical testing. Allele origin: germline.

PreventionGenetics, part of Exact Sciences
Classification: Likely benign for CTR9-related condition. Last evaluated: 2020-09-17. Review status: no assertion criteria provided. Collection method: clinical testing. Allele origin: germline. Not counted in ClinVar's aggregate classification.
Comment: This variant is classified as likely benign based on ACMG/AMP sequence variant interpretation guidelines (Richards et al. 2015 PMID: 25741868, with internal and published modifications).

NM_014633.5(CTR9):c.2646G>T (p.Val882=)

Gene: CTR9 (CTR9 component of Paf1/RNA polymerase II complex; plus strand). Cytogenetic location: 11p15.4.
Variant type: single nucleotide variant.
Coding change: c.2646G>T on transcript NM_014633.5 (MANE Select); coding-DNA position 2646, G replaced by T.
Protein change: p.Val882=; no amino-acid change (valine 882 retained).
Molecular consequence: synonymous variant.
Genome position (GRCh38, 1-based): chr11:10,773,192, G>T. VCF-style: chr11-10773192-G-T. GRCh37 (hg19) VCF-style: chr11-10794739-G-T.
Other names: c.2574G>T, p.Val858= (NM_001346279.2); c.2646G>T (NM_014633.4).
Identifiers: ClinVar variation 1154323 (VCV001154323.11), dbSNP rs143970436, ClinGen allele CA5885379.